The following is an entry in ClinVar:

NM_001267550.2(TTN):c.20276-1G>C

Gene: TTN (titin; minus strand). Cytogenetic location: 2q31.2.
Variant type: single nucleotide variant.
Coding change: c.20276-1G>C on transcript NM_001267550.2 (MANE Select); the canonical splice acceptor site of the intron before coding-DNA position 20276, G replaced by C.
Molecular consequence: splice acceptor variant. On other transcripts: intron variant (3).
Genome position (GRCh38, 1-based): chr2:178,726,047, C>G on the plus strand (G>C on the coding strand, the complement: TTN is on the minus strand). VCF-style: chr2-178726047-C-G. GRCh37 (hg19) VCF-style: chr2-179590774-C-G.
Other names: c.13282+12035G>C (NM_003319.4); c.13858+12035G>C (NM_133437.4); c.13657+12035G>C (NM_133432.3); c.16544-1G>C (NM_133378.4); c.19325-1G>C (NM_001256850.1).
Identifiers: ClinVar variation 1487250 (VCV001487250.6), dbSNP rs2154304651, ClinGen allele CA349546282.

ClinVar aggregate classification (germline): Likely pathogenic (1 of 4 stars; one submission).

Conditions:
Dilated cardiomyopathy 1G (CMD1G). Identifiers: Orphanet 154, MedGen C1858763, MONDO:0011400, OMIM 604145.
Autosomal recessive limb-girdle muscular dystrophy type 2J (LGMDR10). Also called: Limb-girdle muscular dystrophy, type 2J; MUSCULAR DYSTROPHY, LIMB-GIRDLE, AUTOSOMAL RECESSIVE 10. Identifiers: Orphanet 140922, MedGen C1837342, MONDO:0012127, OMIM 608807.

Submission:

Labcorp Genetics (formerly Invitae), Labcorp
Classification: Likely pathogenic for Dilated cardiomyopathy 1G; Autosomal recessive limb-girdle muscular dystrophy type 2J. Last evaluated: 2024-10-18. Review status: criteria provided, single submitter. Criteria: Invitae Variant Classification Sherloc (09022015). Collection method: clinical testing. Allele origin: germline.
Comment: This sequence change affects an acceptor splice site in intron 69 of the TTN gene. It is expected to disrupt RNA splicing and likely results in a truncated or disrupted TTN protein. This variant is not present in population databases (gnomAD no frequency). This variant has not been reported in the literature in individuals affected with TTN-related conditions. ClinVar contains an entry for this variant (Variation ID: 1487250). Algorithms developed to predict the effect of sequence changes on RNA splicing suggest that this variant may disrupt the consensus splice site. This variant is located in the I band of TTN (PMID: 25589632). Truncating variants in this region have been reported in individuals affected with autosomal recessive centronuclear myopathy (PMID: 23975875, internal data). Truncating variants in this region have also been identified in individuals affected with autosomal dominant dilated cardiomyopathy and/or cardio-related conditions (PMID: 27869827, 32964742, internal data). In summary, the currently available evidence indicates that the variant is pathogenic, but additional data are needed to prove that conclusively. Therefore, this variant has been classified as Likely Pathogenic.

Literature cited by the submitters: PubMed 25589632; PubMed 23975875; PubMed 27869827; PubMed 32964742.